The following is an entry in ClinVar:

NM_203447.4(DOCK8):c.2464G>T (p.Glu822Ter)

Gene: DOCK8 (dedicator of cytokinesis 8; plus strand). Cytogenetic location: 9p24.3.
Variant type: single nucleotide variant.
Coding change: c.2464G>T on transcript NM_203447.4 (MANE Select); coding-DNA position 2464, G replaced by T.
Protein change: p.Glu822Ter; replaces glutamic acid 822 with a stop codon.
Molecular consequence: nonsense.
Genome position (GRCh38, 1-based): chr9:379,794, G>T. VCF-style: chr9-379794-G-T. GRCh37 (hg19) VCF-style: chr9-379794-G-T.
Other names: c.2260G>T, p.Glu754Ter (NM_001190458.2, NM_001193536.2); short protein forms E754*, E822*.
Identifiers: ClinVar variation 1451794 (VCV001451794.7), dbSNP rs372503899, ClinGen allele CA4958209.

ClinVar aggregate classification (germline): Pathogenic. Review status: criteria provided, single submitter (1 of 4 stars). 2 submissions from 2 submitters: Pathogenic (1). 1 of the submissions does not count toward it. Last evaluated 2021-08-02.

Conditions:
Combined immunodeficiency due to DOCK8 deficiency (HIES2). Also called: Hyper-IgE recurrent infection syndrome, autosomal recessive; HYPER-IgE RECURRENT INFECTION SYNDROME 2, AUTOSOMAL RECESSIVE; HYPER-IgE SYNDROME 2, AUTOSOMAL RECESSIVE, WITH RECURRENT INFECTIONS; DOCK8 Deficiency; HIES autosomal recessive. Identifiers: Orphanet 217390, MedGen C4722305, MONDO:0009478, OMIM 243700.

gnomAD v4.1: 1 of 1,614,146 alleles (0.000062%); highest among the groups gnomAD compares: Admixed American, 0.0017%; no homozygotes.

Submissions (2):

Labcorp Genetics (formerly Invitae), Labcorp
Classification: Pathogenic for Combined immunodeficiency due to DOCK8 deficiency. Last evaluated: 2021-08-02. Review status: criteria provided, single submitter. Criteria: Invitae Variant Classification Sherloc (09022015). Collection method: clinical testing. Allele origin: germline.
Comment: This sequence change creates a premature translational stop signal (p.Glu822*) in the DOCK8 gene. It is expected to result in an absent or disrupted protein product. Loss-of-function variants in DOCK8 are known to be pathogenic (PMID: 14722525, 19776401). For these reasons, this variant has been classified as Pathogenic. This variant has not been reported in the literature in individuals with DOCK8-related conditions. This variant is present in population databases (rs372503899, ExAC 0.009%).

Laboratory of Research in Genomics, Genetics and Bioinformatics, Hospital Infantil de Mexico Federico Gomez
Classification: Pathogenic for Combined immunodeficiency due to DOCK8 deficiency. Last evaluated: 2025-04-08. Review status: no assertion criteria provided. Collection method: research. Allele origin: germline. Affected: yes. Not counted in ClinVar's aggregate classification.

Literature cited by the submitters: PubMed 14722525 (cited by Labcorp Genetics (formerly Invitae), Labcorp); PubMed 19776401 (cited by Labcorp Genetics (formerly Invitae), Labcorp).